The following is an entry in ClinVar:

ClinVar aggregate classification (germline): Likely pathogenic (1 of 4 stars; one submission).

Conditions:
Developmental delay, impaired speech, and behavioral abnormalities, with or without seizures (DEDISB). Identifiers: MedGen C5575272, MONDO:0859263, OMIM 619964.

Submission:

Greenwood Genetic Center Diagnostic Laboratories, Greenwood Genetic Center
Classification: Likely pathogenic for Developmental delay, impaired speech, and behavioral abnormalities, with or without seizures. Last evaluated: 2023-08-25. Review status: criteria provided, single submitter. Criteria: ACMG Guidelines, 2015. Collection method: clinical testing. Allele origin: germline. Affected: yes.
Comment: PVS1, PM2

NM_006421.5(ARFGEF1):c.3182del (p.Gly1061fs)

Gene: ARFGEF1 (ARF guanine nucleotide exchange factor 1; minus strand). Cytogenetic location: 8q13.2.
Variant type: Deletion.
Coding change: c.3182del on transcript NM_006421.5 (MANE Select); coding-DNA position 3182, one base deleted (G; older notation c.3182delG).
Protein change: p.Gly1061fs; shifts the reading frame from glycine 1061.
Molecular consequence: frameshift variant. On other transcripts: non-coding transcript variant (1).
Genome position (GRCh38, 1-based): chr8:67,238,450, C deleted on the plus strand (G on the coding strand, the reverse complement: ARFGEF1 is on the minus strand); the first of 2 consecutive C bases (chr8:67,238,450-67,238,451); deleting either gives the same sequence. VCF-style (leftmost placement, unchanged base first): chr8-67238449-TC-T. GRCh37 (hg19) VCF-style: chr8-68150684-TC-T.
Other names: c.3182del, p.Gly1061fs (NM_001413184.1, NM_001413185.1, NM_001413186.1 and 6 more transcripts); c.2582del, p.Gly861fs (NM_001413188.1, NM_001413193.1, NM_001413197.1); c.3176del, p.Gly1059fs (NM_001413190.1); c.1757del, p.Gly586fs (NM_001413196.1); short protein forms G1059fs, G1061fs, G586fs, G861fs.
Identifiers: ClinVar variation 2626906 (VCV002626906.1), dbSNP rs2491448473, ClinGen allele CA2582341963.